The following is an entry in ClinVar:

NM_000264.5(PTCH1):c.316C>T (p.Leu106Phe)

Gene: PTCH1 (patched 1; minus strand). Cytogenetic location: 9q22.32.
Variant type: single nucleotide variant.
Coding change: c.316C>T on transcript NM_000264.5 (MANE Select); coding-DNA position 316, C replaced by T.
Protein change: p.Leu106Phe; replaces leucine 106 with phenylalanine.
Molecular consequence: missense variant. On other transcripts: 5 prime UTR variant (4), non-coding transcript variant (1).
Genome position (GRCh38, 1-based): chr9:95,506,485, G>A on the plus strand (C>T on the coding strand, the complement: PTCH1 is on the minus strand). VCF-style: chr9-95506485-G-A. GRCh37 (hg19) VCF-style: chr9-98268767-G-A.
Other names: c.118C>T, p.Leu40Phe (NM_001083602.3, NM_001354919.2); c.313C>T, p.Leu105Phe (NM_001083603.3); c.-138C>T (NM_001083604.3, NM_001083605.3, NM_001083606.3 and 1 more transcripts); c.316C>T, p.Leu106Phe (NM_001354918.2); short protein forms L40F, L105F, L106F.
Identifiers: ClinVar variation 4675489 (VCV004675489.1).

ClinVar aggregate classification (germline): Uncertain significance (1 of 4 stars; one submission).

Conditions:
Hereditary cancer-predisposing syndrome. Also called: Neoplastic Syndromes, Hereditary; Tumor predisposition; Hereditary Cancer Syndrome; Hereditary neoplastic syndrome. Identifiers: Orphanet 140162, MedGen C0027672, MeSH D009386, MONDO:0015356.

Submission:

Ambry Genetics
Classification: Uncertain significance for Hereditary cancer-predisposing syndrome. Last evaluated: 2025-10-06. Review status: criteria provided, single submitter. Criteria: Ambry Variant Classification Scheme 2023. Collection method: clinical testing. Allele origin: germline.
Comment: The p.L106F variant (also known as c.316C>T), located in coding exon 2 of the PTCH1 gene, results from a C to T substitution at nucleotide position 316. The leucine at codon 106 is replaced by phenylalanine, an amino acid with highly similar properties. This amino acid position is highly conserved in available vertebrate species. In addition, this alteration is predicted to be deleterious by in silico analysis. Based on the available evidence, the clinical significance of this variant remains unclear.